The following is an entry in ClinVar:

ClinVar aggregate classification (germline): Uncertain significance (1 of 4 stars; one submission).

Allele frequency attached by ClinVar (database versions not stated): gnomAD exomes below 0.00001 and 0.00001; TOPMed below 0.00001; gnomAD 0.00001; ExAC 0.00002; 1000 Genomes Project 30x 0.00016; 1000 Genomes Project 0.00020.
gnomAD v4.1: 4 of 1,614,156 alleles (0.00025%); highest among the groups gnomAD compares: East Asian, 0.0022%; no homozygotes.

Submission:

Labcorp Genetics (formerly Invitae), Labcorp
Classification: Uncertain significance. Last evaluated: 2024-10-31. Review status: criteria provided, single submitter. Criteria: Invitae Variant Classification Sherloc (09022015). Collection method: clinical testing. Allele origin: germline.
Comment: This sequence change replaces valine, which is neutral and non-polar, with alanine, which is neutral and non-polar, at codon 2775 of the KMT2A protein (p.Val2775Ala). This variant is present in population databases (rs535847778, gnomAD 0.006%). This variant has not been reported in the literature in individuals affected with KMT2A-related conditions. ClinVar contains an entry for this variant (Variation ID: 1464571). Invitae Evidence Modeling of protein sequence and biophysical properties (such as structural, functional, and spatial information, amino acid conservation, physicochemical variation, residue mobility, and thermodynamic stability) indicates that this missense variant is not expected to disrupt KMT2A protein function with a negative predictive value of 95%. In summary, the available evidence is currently insufficient to determine the role of this variant in disease. Therefore, it has been classified as a Variant of Uncertain Significance.

NM_001197104.2(KMT2A):c.8324T>C (p.Val2775Ala)

Gene: KMT2A (lysine methyltransferase 2A; plus strand). Cytogenetic location: 11q23.3.
Variant type: single nucleotide variant.
Coding change: c.8324T>C on transcript NM_001197104.2 (MANE Select); coding-DNA position 8324, T replaced by C.
Protein change: p.Val2775Ala; replaces valine 2775 with alanine.
Molecular consequence: missense variant.
Genome position (GRCh38, 1-based): chr11:118,504,216, T>C. VCF-style: chr11-118504216-T-C. GRCh37 (hg19) VCF-style: chr11-118374931-T-C.
Other names: c.8315T>C, p.Val2772Ala (NM_005933.4); short protein forms V2772A, V2775A.
Identifiers: ClinVar variation 1464571 (VCV001464571.8), dbSNP rs535847778, ClinGen allele CA6304487.